The following is an entry in ClinVar:

NM_024422.6(DSC2):c.561T>C (p.Tyr187=)

Gene: DSC2 (desmocollin 2; minus strand). Cytogenetic location: 18q12.1.
Variant type: single nucleotide variant.
Coding change: c.561T>C on transcript NM_024422.6 (MANE Select); coding-DNA position 561, T replaced by C.
Protein change: p.Tyr187=; no amino-acid change (tyrosine 187 retained).
Molecular consequence: synonymous variant.
Genome position (GRCh38, 1-based): chr18:31,089,508, A>G on the plus strand (T>C on the coding strand, the complement: DSC2 is on the minus strand). VCF-style: chr18-31089508-A-G. GRCh37 (hg19) VCF-style: chr18-28669471-A-G.
Other names: c.561T>C, p.Tyr187= (NM_004949.5).
Identifiers: ClinVar variation 919303 (VCV000919303.16), dbSNP rs749063028, ClinGen allele CA038831.

ClinVar aggregate classification (germline): Benign/Likely benign. Review status: criteria provided, multiple submitters, no conflicts (2 of 4 stars). 6 submissions from 6 submitters: Benign (1); Likely benign (5). Last evaluated 2025-11-16.

Conditions:
Cardiovascular phenotype. Identifiers: MedGen CN230736.
Arrhythmogenic right ventricular dysplasia 11. Also called: ARRHYTHMOGENIC RIGHT VENTRICULAR DYSPLASIA, FAMILIAL, 11; Arrhythmogenic Right Ventricular Dysplasia/Cardiomyopathy11; Arrhythmogenic right ventricular dysplasia 11 with mild palmoplantar keratoderma and woolly hair. Identifiers: MedGen C1864850, MONDO:0012506, OMIM 610476.
Familial isolated arrhythmogenic right ventricular dysplasia. Identifiers: Orphanet 217656, MedGen C4274968, MONDO:0016342.
Cardiomyopathy (CMYO). Also called: Cardiomyopathies. Identifiers: Orphanet 167848, MedGen C0878544, MONDO:0004994, HP:0001638. Inheritance: Various modes of inheritance.

Allele frequency attached by ClinVar (database versions not stated): ExAC 0.00001; gnomAD exomes 0.00001.
gnomAD v4.1: 14 of 1,614,046 alleles (0.00087%); highest among the groups gnomAD compares: African/African-American, 0.0027%; no homozygotes.

Submissions (6):

Labcorp Genetics (formerly Invitae), Labcorp
Classification: Likely benign for Arrhythmogenic right ventricular dysplasia 11. Last evaluated: 2025-11-16. Review status: criteria provided, single submitter. Criteria: Invitae Variant Classification Sherloc (09022015). Collection method: clinical testing. Allele origin: germline.

All of Us Research Program, National Institutes of Health
Classification: Likely benign for Familial isolated arrhythmogenic right ventricular dysplasia. Last evaluated: 2024-05-14. Review status: criteria provided, single submitter. Criteria: ACMG Guidelines, 2015. Collection method: clinical testing. Allele origin: germline. Inheritance: Autosomal dominant inheritance. Observed: 2 variant alleles, 2 heterozygotes.
Comment: This study involves interpretation of variants in research participants for the purpose of population health screening. Participant phenotype was not available at the time of variant classification. Additional details can be found in publication PMID: 35346344, PMCID: PMC8962531

Ambry Genetics
Classification: Likely benign for Cardiovascular phenotype. Last evaluated: 2023-09-07. Review status: criteria provided, single submitter. Criteria: Ambry Variant Classification Scheme 2023. Collection method: clinical testing. Allele origin: germline.

Women's Health and Genetics/Laboratory Corporation of America, LabCorp
Classification: Likely benign. Last evaluated: 2019-12-09. Review status: criteria provided, single submitter. Criteria: LabCorp Variant Classification Summary - May 2015. Collection method: clinical testing. Allele origin: germline.

Molecular Diagnostic Laboratory for Inherited Cardiovascular Disease, Montreal Heart Institute
Classification: Benign. Last evaluated: 2019-10-21. Review status: criteria provided, single submitter. Criteria: ACMG Guidelines, 2015. Collection method: clinical testing. Allele origin: germline. Affected: yes.

Color Diagnostics, LLC DBA Color Health
Classification: Likely benign for Cardiomyopathy. Last evaluated: 2018-07-03. Review status: criteria provided, single submitter. Criteria: ACMG Guidelines, 2015. Collection method: clinical testing. Allele origin: germline.